The following is an entry in ClinVar:

ClinVar aggregate classification (germline): Pathogenic (1 of 4 stars; one submission).

Submission:

Labcorp Genetics (formerly Invitae), Labcorp
Classification: Pathogenic. Last evaluated: 2022-10-16. Review status: criteria provided, single submitter. Criteria: Invitae Variant Classification Sherloc (09022015). Collection method: clinical testing. Allele origin: germline.
Comment: This variant has not been reported in the literature in individuals affected with COL7A1-related conditions. This sequence change creates a premature translational stop signal (p.Ala1195Aspfs*30) in the COL7A1 gene. It is expected to result in an absent or disrupted protein product. Loss-of-function variants in COL7A1 are known to be pathogenic (PMID: 16971478). This variant is not present in population databases (gnomAD no frequency). For these reasons, this variant has been classified as Pathogenic.

Literature cited by the submitters: PubMed 16971478.

NM_000094.4(COL7A1):c.3563_3581dup (p.Ala1195fs)

Gene: COL7A1 (collagen type VII alpha 1 chain; minus strand). Cytogenetic location: 3p21.31.
Variant type: Duplication.
Coding change: c.3563_3581dup on transcript NM_000094.4 (MANE Select); coding-DNA positions 3563 to 3581, 19 bases duplicated (TGATGTTGGGAATGGCTGG).
Protein change: p.Ala1195fs; shifts the reading frame from alanine 1195.
Molecular consequence: frameshift variant.
Genome position (GRCh38, 1-based): chr3:48,586,216-48,586,234, CCAGCCATTCCCAACATCA duplicated on the plus strand (TGATGTTGGGAATGGCTGG on the coding strand, the reverse complement: COL7A1 is on the minus strand); duplicating any 19 consecutive bases within chr3:48,586,216-48,586,237 gives the same sequence; the c. name uses the placement nearest the transcript's 3' end. VCF-style (leftmost placement, unchanged base first): chr3-48586215-T-TCCAGCCATTCCCAACATCA. GRCh37 (hg19) VCF-style: chr3-48623648-T-TCCAGCCATTCCCAACATCA.
Other names: short protein forms A1195fs.
Identifiers: ClinVar variation 2808672 (VCV002808672.3), dbSNP rs2531205224, ClinGen allele CA2739277925.
Genomic context (GRCh38, chr3:48,586,215, plus strand): 5'-GAAGAAGGTCTGGACAGAGTCCATACCCGGCGCCAAGCGACGCAGCTGCTCTGGGTCCGC[T>TCCAGCCATTCCCAACATCA]CCAGCCATTCCCAACATCACCACATTAAGCCCTAAGGTGGGGTCCAGTGGCTGCATGATA-3'